The following is an entry in ClinVar:

NM_198859.4(PRICKLE2):c.*1310C>T

Genes: PRICKLE2 (prickle planar cell polarity protein 2; minus strand), PRICKLE2-AS1 (PRICKLE2 antisense RNA 1; plus strand). Cytogenetic location: 3p14.1.
Variant type: single nucleotide variant.
Coding change: c.*1310C>T on transcript NM_198859.4 (MANE Select); 1310 bases downstream of the stop codon, C replaced by T.
Molecular consequence: 3 prime UTR variant. On other transcripts: non-coding transcript variant (1).
Genome position (GRCh38, 1-based): chr3:64,097,741, G>A on the plus strand (C>T on the coding strand, the complement: PRICKLE2 is on the minus strand). VCF-style: chr3-64097741-G-A. GRCh37 (hg19) VCF-style: chr3-64083417-G-A.
Other names: c.*1310C>T (NM_001370528.1).
Identifiers: ClinVar variation 346457 (VCV000346457.6), dbSNP rs17069879, ClinGen allele CA10617296.

ClinVar aggregate classification (germline): Benign. Review status: criteria provided, multiple submitters, no conflicts (2 of 4 stars). 2 submissions from 2 submitters: Benign (2). Last evaluated 2018-01-13.

Conditions:
Progressive myoclonic epilepsy. Also called: Progressive myoclonus epilepsy; Familial progressive myoclonic epilepsy; Myoclonus epilepsy; Myoclonic Epilepsies, Progressive. Identifiers: Orphanet 308, Orphanet 98261, MedGen C0751778, MONDO:0020074.

Allele frequency attached by ClinVar (database versions not stated): TOPMed 0.16138; gnomAD 0.16935 and 0.17077; gnomAD exomes 0.17123; 1000 Genomes Project 30x 0.18067; 1000 Genomes Project 0.18431.
gnomAD v4.1: 26,017 of 152,482 alleles (17%); highest among the groups gnomAD compares: East Asian, 30%; 2,321 homozygotes.

Submissions (2):

Illumina Laboratory Services, Illumina
Classification: Benign for Progressive myoclonic epilepsy. Last evaluated: 2018-01-13. Review status: criteria provided, single submitter. Criteria: ICSL Variant Classification Criteria 13 December 2019. Collection method: clinical testing. Allele origin: germline.
Comment: This variant was observed in the ICSL laboratory as part of a predisposition screen in an ostensibly healthy population. It had not been previously curated by ICSL or reported in the Human Gene Mutation Database (HGMD: prior to June 1st, 2018), and was therefore a candidate for classification through an automated scoring system. Utilizing variant allele frequency, disease prevalence and penetrance estimates, and inheritance mode, an automated score was calculated to assess if this variant is too frequent to cause the disease. Based on the score and internal cut-off values, a variant classified as benign is not then subjected to further curation. The score for this variant resulted in a classification of benign for this disease.

Breakthrough Genomics
Classification: Benign. Review status: criteria provided, single submitter. Criteria: ACMG Guidelines, 2015. Collection method: not provided. Allele origin: germline. Inheritance: Unknown mechanism. Affected: yes.